The following is an entry in ClinVar:

ClinVar aggregate classification (germline): Uncertain significance. Review status: criteria provided, multiple submitters, no conflicts (2 of 4 stars). 2 submissions from 2 submitters: Uncertain significance (2). Last evaluated 2024-10-16.

Allele frequency attached by ClinVar (database versions not stated): gnomAD 0.00001; TOPMed 0.00001.

Submissions (2):

Labcorp Genetics (formerly Invitae), Labcorp
Classification: Uncertain significance. Last evaluated: 2024-10-16. Review status: criteria provided, single submitter. Criteria: Invitae Variant Classification Sherloc (09022015). Collection method: clinical testing. Allele origin: germline.
Comment: This sequence change replaces threonine, which is neutral and polar, with isoleucine, which is neutral and non-polar, at codon 119 of the SLC17A8 protein (p.Thr119Ile). This variant is present in population databases (rs746526640, gnomAD 0.006%). This variant has not been reported in the literature in individuals affected with SLC17A8-related conditions. ClinVar contains an entry for this variant (Variation ID: 1722784). An algorithm developed to predict the effect of missense changes on protein structure and function outputs the following: PolyPhen-2: "Benign". The isoleucine amino acid residue is found in multiple mammalian species, which suggests that this missense change does not adversely affect protein function. In summary, the available evidence is currently insufficient to determine the role of this variant in disease. Therefore, it has been classified as a Variant of Uncertain Significance.

GeneDx
Classification: Uncertain significance. Last evaluated: 2022-05-05. Review status: criteria provided, single submitter. Criteria: GeneDx Variant Classification Process June 2021. Collection method: clinical testing. Allele origin: germline. Affected: yes.
Comment: In silico analysis supports that this missense variant does not alter protein structure/function; Has not been previously published as pathogenic or benign to our knowledge

NM_139319.3(SLC17A8):c.356C>T (p.Thr119Ile)

Gene: SLC17A8 (solute carrier family 17 member 8; plus strand). Cytogenetic location: 12q23.1.
Variant type: single nucleotide variant.
Coding change: c.356C>T on transcript NM_139319.3 (MANE Select); coding-DNA position 356, C replaced by T.
Protein change: p.Thr119Ile; replaces threonine 119 with isoleucine.
Molecular consequence: missense variant.
Genome position (GRCh38, 1-based): chr12:100,391,002, C>T. VCF-style: chr12-100391002-C-T. GRCh37 (hg19) VCF-style: chr12-100784780-C-T.
Other names: c.356C>T, p.Thr119Ile (NM_001145288.2); short protein forms T119I.
Identifiers: ClinVar variation 1722784 (VCV001722784.4), dbSNP rs746526640, ClinGen allele CA6738737.